The following is an entry in ClinVar:

ClinVar aggregate classification (germline): Uncertain significance (1 of 4 stars; one submission).

Conditions:
Developmental and epileptic encephalopathy, 36 (DEE36). Also called: Congenital disorder of glycosylation, type Is; Epileptic encephalopathy, early infantile, 36; ALG13-CDG. Identifiers: Orphanet 324422, MedGen C4317295, MONDO:0010472, OMIM 300884.

Allele frequency attached by ClinVar (database versions not stated): gnomAD exomes below 0.00001 and 0.00001; TOPMed below 0.00001; ExAC 0.00001.

Submission:

Labcorp Genetics (formerly Invitae), Labcorp
Classification: Uncertain significance for Developmental and epileptic encephalopathy, 36. Last evaluated: 2024-08-26. Review status: criteria provided, single submitter. Criteria: Invitae Variant Classification Sherloc (09022015). Collection method: clinical testing. Allele origin: germline.
Comment: This sequence change replaces aspartic acid, which is acidic and polar, with asparagine, which is neutral and polar, at codon 15 of the ALG13 protein (p.Asp15Asn). This variant is present in population databases (rs776133794, gnomAD 0.005%). This variant has not been reported in the literature in individuals affected with ALG13-related conditions. ClinVar contains an entry for this variant (Variation ID: 847615). An algorithm developed to predict the effect of missense changes on protein structure and function (PolyPhen-2) suggests that this variant is likely to be disruptive. In summary, the available evidence is currently insufficient to determine the role of this variant in disease. Therefore, it has been classified as a Variant of Uncertain Significance.

NM_001099922.3(ALG13):c.43G>A (p.Asp15Asn)

Gene: ALG13 (ALG13 UDP-N-acetylglucosaminyltransferase subunit; plus strand). Cytogenetic location: Xq23.
Variant type: single nucleotide variant.
Coding change: c.43G>A on transcript NM_001099922.3 (MANE Select); coding-DNA position 43, G replaced by A.
Protein change: p.Asp15Asn; replaces aspartic acid 15 with asparagine.
Molecular consequence: missense variant. On other transcripts: 5 prime UTR variant (9), non-coding transcript variant (3).
Genome position (GRCh38, 1-based): chrX:111,681,261, G>A. VCF-style: chrX-111681261-G-A. GRCh37 (hg19) VCF-style: chrX-110924489-G-A.
Other names: c.43G>A, p.Asp15Asn (NM_001039210.5, NM_001168385.3, NM_001324290.2 and 2 more transcripts); c.-166G>A (NM_001257230.2, NM_001324291.2); c.-258G>A (NM_001257231.2, NM_001257241.3); c.-291G>A (NM_001257234.2, NM_001257235.3); c.-395G>A (NM_001257237.2, NM_001257240.3, NM_001324293.1); short protein forms D15N.
Identifiers: ClinVar variation 847615 (VCV000847615.9), dbSNP rs776133794, ClinGen allele CA10493424.